The following is an entry in ClinVar:

ClinVar aggregate classification (germline): Uncertain significance (1 of 4 stars; one submission).

Submission:

Labcorp Genetics (formerly Invitae), Labcorp
Classification: Uncertain significance. Last evaluated: 2023-12-07. Review status: criteria provided, single submitter. Criteria: Invitae Variant Classification Sherloc (09022015). Collection method: clinical testing. Allele origin: germline.
Comment: This sequence change replaces isoleucine, which is neutral and non-polar, with methionine, which is neutral and non-polar, at codon 41 of the GABRA2 protein (p.Ile41Met). This variant is not present in population databases (gnomAD no frequency). This variant has not been reported in the literature in individuals affected with GABRA2-related conditions. ClinVar contains an entry for this variant (Variation ID: 2118611). An algorithm developed to predict the effect of missense changes on protein structure and function (PolyPhen-2) suggests that this variant is likely to be disruptive. In summary, the available evidence is currently insufficient to determine the role of this variant in disease. Therefore, it has been classified as a Variant of Uncertain Significance.

NM_000807.4(GABRA2):c.123C>G (p.Ile41Met)

Gene: GABRA2 (gamma-aminobutyric acid type A receptor subunit alpha2; minus strand). Cytogenetic location: 4p12.
Variant type: single nucleotide variant.
Coding change: c.123C>G on transcript NM_000807.4 (MANE Select); coding-DNA position 123, C replaced by G.
Protein change: p.Ile41Met; replaces isoleucine 41 with methionine.
Molecular consequence: missense variant.
Genome position (GRCh38, 1-based): chr4:46,386,138, G>C on the plus strand (C>G on the coding strand, the complement: GABRA2 is on the minus strand). VCF-style: chr4-46386138-G-C. GRCh37 (hg19) VCF-style: chr4-46388155-G-C.
Other names: c.123C>G, p.Ile41Met (NM_001114175.3, NM_001330690.2, NM_001377144.1 and 8 more transcripts); c.26C>G, p.Ser9Cys (NM_001286827.3, NM_001377152.1, NM_001377153.1 and 1 more transcripts); short protein forms I41M, S9C.
Identifiers: ClinVar variation 2118611 (VCV002118611.4), dbSNP rs2109376277, ClinGen allele CA356803054.